The following is an entry in ClinVar:

ClinVar aggregate classification (germline): Conflicting classifications of pathogenicity. Review status: criteria provided, conflicting classifications (1 of 4 stars). 2 submissions from 2 submitters: Uncertain significance (1); Likely benign (1). Last evaluated 2025-03-19.

Conditions:
CREBBP-related disorder. Also called: CREBBP-related condition; CREBBP-related disorders.
Rubinstein-Taybi syndrome (RSTS). Identifiers: Orphanet 783, MedGen C0035934, MONDO:0019188.

Allele frequency attached by ClinVar (database versions not stated): gnomAD 0.00001; TOPMed 0.00002.
gnomAD v4.1: 11 of 1,591,504 alleles (0.00069%); highest among the groups gnomAD compares: African/African-American, 0.0027%; no homozygotes.

Submissions (2):

PreventionGenetics, part of Exact Sciences
Classification: Uncertain significance for CREBBP-related condition. Last evaluated: 2025-03-19. Review status: criteria provided, single submitter. Criteria: ACMG Guidelines, 2015. Collection method: clinical testing. Allele origin: germline.
Comment: The CREBBP c.6034G>A variant is predicted to result in the amino acid substitution p.Val2012Ile. To our knowledge, this variant has not been reported in the literature. This variant is reported in 0.0035% of alleles in individuals of South Asian descent in gnomAD. At this time, the clinical significance of this variant is uncertain due to the absence of conclusive functional and genetic evidence.

Labcorp Genetics (formerly Invitae), Labcorp
Classification: Likely benign for Rubinstein-Taybi syndrome. Last evaluated: 2024-02-07. Review status: criteria provided, single submitter. Criteria: Invitae Variant Classification Sherloc (09022015). Collection method: clinical testing. Allele origin: germline.

NM_004380.3(CREBBP):c.6034G>A (p.Val2012Ile)

Gene: CREBBP (CREB binding lysine acetyltransferase; minus strand). Cytogenetic location: 16p13.3.
Variant type: single nucleotide variant.
Coding change: c.6034G>A on transcript NM_004380.3 (MANE Select); coding-DNA position 6034, G replaced by A.
Protein change: p.Val2012Ile; replaces valine 2012 with isoleucine.
Molecular consequence: missense variant.
Genome position (GRCh38, 1-based): chr16:3,729,013, C>T on the plus strand (G>A on the coding strand, the complement: CREBBP is on the minus strand). VCF-style: chr16-3729013-C-T. GRCh37 (hg19) VCF-style: chr16-3779014-C-T.
Other names: c.5920G>A, p.Val1974Ile (NM_001079846.1); c.6034G>A (NM_004380.2); short protein forms V1974I, V2012I.
Identifiers: ClinVar variation 2170895 (VCV002170895.5), dbSNP rs765101871, ClinGen allele CA7869195.
Genomic context (GRCh38, chr16:3,729,013, plus strand): 5'-TGGGCTGCTGCTGGGGAAGGGGCGCCTGCTGCCACTGCCCGGGAGGCATGCTGGGCATGA[C>T]GGGCCCGCTCACCTGGTTGGGTCGGGGCACATTCAGGCTCACGGGGGCCATCTGGCTCCC-3'
Protein context (NP_004371.2, residues 2002-2022): VPRPNQVSGP[Val2012Ile]MPSMPPGQWQ